The following is an entry in ClinVar:

NM_001004051.4(GPRASP2):c.698C>T (p.Ala233Val)

Genes: ARMCX5-GPRASP2 (ARMCX5-GPRASP2 readthrough; plus strand), GPRASP2 (G protein-coupled receptor associated sorting protein 2; plus strand). Cytogenetic location: Xq22.1.
Variant type: single nucleotide variant.
Coding change: c.698C>T on transcript NM_001004051.4 (MANE Select); coding-DNA position 698, C replaced by T.
Protein change: p.Ala233Val; replaces alanine 233 with valine.
Molecular consequence: missense variant. On other transcripts: intron variant (3).
Genome position (GRCh38, 1-based): chrX:102,715,567, C>T. VCF-style: chrX-102715567-C-T. GRCh37 (hg19) VCF-style: chrX-101970495-C-T.
Other names: c.698C>T, p.Ala233Val (NM_001199818.1, NM_001184874.3, NM_001184875.3 and 2 more transcripts); c.-820+1301C>T (NM_001350268.2); c.-752+1301C>T (NM_001350269.2); c.-721+1301C>T (NM_001350270.1); short protein forms A233V.
Identifiers: ClinVar variation 3050159 (VCV003050159.2), dbSNP rs200562810, ClinGen allele CA10476489.

ClinVar aggregate classification (germline): Benign (0 of 4 stars; one submission).

Conditions:
GPRASP2-related disorder. Also called: GPRASP2-related condition.

Allele frequency attached by ClinVar (database versions not stated): ExAC 0.00027; ESP Exome Variant Server 0.00038; gnomAD 0.00039; TOPMed 0.00043; gnomAD exomes 0.00061.
gnomAD v4.1: 720 of 1,209,896 alleles (0.06%); highest among the groups gnomAD compares: Non-Finnish European, 0.068%; no homozygotes.

Submission:

PreventionGenetics, part of Exact Sciences
Classification: Benign for GPRASP2-related condition. Last evaluated: 2022-08-10. Review status: no assertion criteria provided. Collection method: clinical testing. Allele origin: germline.
Comment: This variant is classified as benign based on ACMG/AMP sequence variant interpretation guidelines (Richards et al. 2015 PMID: 25741868, with internal and published modifications).